The following is an entry in ClinVar:

ClinVar aggregate classification (germline): Uncertain significance (1 of 4 stars; one submission).

Submission:

Labcorp Genetics (formerly Invitae), Labcorp
Classification: Uncertain significance. Last evaluated: 2022-07-26. Review status: criteria provided, single submitter. Criteria: Invitae Variant Classification Sherloc (09022015). Collection method: clinical testing. Allele origin: germline.
Comment: This variant results in a copy number gain of the genomic region encompassing exon(s) 29 of the NPHS1 gene. This region includes the termination codon of the gene. This copy number gain extends beyond the assayed region for this gene and therefore may encompass additional genes. As the precise location of this event is unknown, it may be in tandem or it may be located elsewhere in the genome. This variant has not been reported in the literature in individuals affected with NPHS1-related conditions. Experimental studies and prediction algorithms are not available or were not evaluated, and the functional significance of this variant is currently unknown. In summary, the available evidence is currently insufficient to determine the role of this variant in disease. Therefore, it has been classified as a Variant of Uncertain Significance.

NC_000019.9:g.(?_36317416)_(36317567_?)dup

Gene: NPHS1 (NPHS1 adhesion molecule, nephrin; minus strand). Cytogenetic location: 19q13.12.
Variant type: Duplication.
Identifiers: ClinVar variation 1449103 (VCV001449103.4).